The following is an entry in ClinVar:

ClinVar aggregate classification (germline): Likely benign (1 of 4 stars; one submission).

Allele frequency attached by ClinVar (database versions not stated): 1000 Genomes Project 30x 0.00047; 1000 Genomes Project 0.00060; TOPMed 0.00214; gnomAD 0.00253; ESP Exome Variant Server 0.00261; ExAC 0.00266; gnomAD exomes 0.00318.
gnomAD v4.1: 4,967 of 1,612,360 alleles (0.31%); highest among the groups gnomAD compares: Non-Finnish European, 0.38%; 11 homozygotes.

Submission:

CeGaT Center for Human Genetics Tuebingen
Classification: Likely benign. Last evaluated: 2023-03-01. Review status: criteria provided, single submitter. Criteria: CeGaT Center For Human Genetics Tuebingen Variant Classification Criteria Version 2. Collection method: clinical testing. Allele origin: germline. Affected: yes. Observed: 7 variant alleles.
Comment: AHNAK2: BP4, BP7, BS2

NM_138420.4(AHNAK2):c.16812A>G (p.Ser5604=)

Gene: AHNAK2 (AHNAK nucleoprotein 2; minus strand). Cytogenetic location: 14q32.33.
Variant type: single nucleotide variant.
Coding change: c.16812A>G on transcript NM_138420.4 (MANE Select); coding-DNA position 16812, A replaced by G.
Protein change: p.Ser5604=; no amino-acid change (serine 5604 retained).
Molecular consequence: synonymous variant.
Genome position (GRCh38, 1-based): chr14:104,938,639, T>C on the plus strand (A>G on the coding strand, the complement: AHNAK2 is on the minus strand). VCF-style: chr14-104938639-T-C. GRCh37 (hg19) VCF-style: chr14-105404976-T-C.
Other names: c.16512A>G, p.Ser5504= (NM_001350929.2).
Identifiers: ClinVar variation 2644628 (VCV002644628.24), dbSNP rs188591246, ClinGen allele CA7377236.